The following is an entry in ClinVar:

NM_024420.3(PLA2G4A):c.1148A>G (p.Glu383Gly)

Gene: PLA2G4A (phospholipase A2 group IVA; plus strand). Cytogenetic location: 1q31.1.
Variant type: single nucleotide variant.
Coding change: c.1148A>G on transcript NM_024420.3 (MANE Select); coding-DNA position 1148, A replaced by G.
Protein change: p.Glu383Gly; replaces glutamic acid 383 with glycine.
Molecular consequence: missense variant.
Genome position (GRCh38, 1-based): chr1:186,946,751, A>G. VCF-style: chr1-186946751-A-G. GRCh37 (hg19) VCF-style: chr1-186915883-A-G.
Other names: c.968A>G, p.Glu323Gly (NM_001311193.2); short protein forms E323G, E383G.
Identifiers: ClinVar variation 2801139 (VCV002801139.3), dbSNP rs1358090725, ClinGen allele CA343944454.

ClinVar aggregate classification (germline): Uncertain significance (1 of 4 stars; one submission).

Allele frequency attached by ClinVar (database versions not stated): TOPMed 0.00001; gnomAD exomes 0.00002.
gnomAD v4.1: 20 of 1,612,198 alleles (0.0012%); highest among the groups gnomAD compares: Non-Finnish European, 0.0016%; no homozygotes.

Submission:

Labcorp Genetics (formerly Invitae), Labcorp
Classification: Uncertain significance. Last evaluated: 2023-03-14. Review status: criteria provided, single submitter. Criteria: Invitae Variant Classification Sherloc (09022015). Collection method: clinical testing. Allele origin: germline.
Comment: This sequence change replaces glutamic acid, which is acidic and polar, with glycine, which is neutral and non-polar, at codon 383 of the PLA2G4A protein (p.Glu383Gly). In summary, the available evidence is currently insufficient to determine the role of this variant in disease. Therefore, it has been classified as a Variant of Uncertain Significance. Advanced modeling of protein sequence and biophysical properties (such as structural, functional, and spatial information, amino acid conservation, physicochemical variation, residue mobility, and thermodynamic stability) performed at Invitae indicates that this missense variant is expected to disrupt PLA2G4A protein function. This variant has not been reported in the literature in individuals affected with PLA2G4A-related conditions. This variant is present in population databases (no rsID available, gnomAD 0.007%).